The following is an entry in ClinVar:

ClinVar aggregate classification (germline): Uncertain significance (1 of 4 stars; one submission).

Conditions:
Left ventricular noncompaction 8 (LVNC8). Identifiers: Orphanet 154, Orphanet 54260, MedGen C3809288, MONDO:0014152, OMIM 615373.

gnomAD v4.1: 9 of 1,613,810 alleles (0.00056%); highest among the groups gnomAD compares: Non-Finnish European, 0.00068%; no homozygotes.

Submission:

Labcorp Genetics (formerly Invitae), Labcorp
Classification: Uncertain significance for Left ventricular noncompaction 8. Last evaluated: 2025-02-18. Review status: criteria provided, single submitter. Criteria: Invitae Variant Classification Sherloc (09022015). Collection method: clinical testing. Allele origin: germline.
Comment: This sequence change replaces methionine, which is neutral and non-polar, with threonine, which is neutral and polar, at codon 469 of the PRDM16 protein (p.Met469Thr). This variant is not present in population databases (gnomAD no frequency). This variant has not been reported in the literature in individuals affected with PRDM16-related conditions. An algorithm developed to predict the effect of missense changes on protein structure and function (PolyPhen-2) suggests that this variant is likely to be tolerated. In summary, the available evidence is currently insufficient to determine the role of this variant in disease. Therefore, it has been classified as a Variant of Uncertain Significance.

NM_022114.4(PRDM16):c.1406T>C (p.Met469Thr)

Gene: PRDM16 (PR/SET domain 16; plus strand). Cytogenetic location: 1p36.32.
Variant type: single nucleotide variant.
Coding change: c.1406T>C on transcript NM_022114.4 (MANE Select); coding-DNA position 1406, T replaced by C.
Protein change: p.Met469Thr; replaces methionine 469 with threonine.
Molecular consequence: missense variant.
Genome position (GRCh38, 1-based): chr1:3,411,603, T>C. VCF-style: chr1-3411603-T-C. GRCh37 (hg19) VCF-style: chr1-3328167-T-C.
Other names: c.1406T>C, p.Met469Thr (NM_199454.3); short protein forms M469T.
Identifiers: ClinVar variation 4699962 (VCV004699962.1).
Genomic context (GRCh38, chr1:3,411,603, plus strand): 5'-ACCATTACACGCCGGGCGGCATCTTTGCCCCGGGCCTGCCCTTGACCCCCAGCCCCATGA[T>C]GGACAAGGCAAAACCCTCCCCCAGCCTCAATCACGCCAGCCTGGGCTTCAACGAGTACTT-3'
Protein context (NP_071397.3, residues 459-479): PGLPLTPSPM[Met469Thr]DKAKPSPSLN